The following is an entry in ClinVar:

ClinVar aggregate classification (germline): Pathogenic. Review status: criteria provided, multiple submitters, no conflicts (2 of 4 stars). 6 submissions from 6 submitters: Pathogenic (5). 1 of the submissions does not count toward it. Last evaluated 2024-10-29.

Conditions:
Inborn genetic diseases. Identifiers: MedGen C0950123, MeSH D030342.
Familial focal epilepsy with variable foci (FPEVF). Identifiers: Orphanet 98820, MedGen C1858477, MONDO:0020310.
Epilepsy, familial focal, with variable foci 1 (FFEVF1). Also called: DEPDC5-Related Epilepsy. Identifiers: MedGen C4551983, MONDO:0024556, OMIM 604364.

Allele frequency attached by ClinVar (database versions not stated): gnomAD exomes below 0.00001.
gnomAD v4.1: 1 of 1,614,202 alleles (0.000062%); highest among the groups gnomAD compares: Non-Finnish European, 0.000085%; no homozygotes.

Submissions (6):

Labcorp Genetics (formerly Invitae), Labcorp
Classification: Pathogenic for Familial focal epilepsy with variable foci. Last evaluated: 2024-10-29. Review status: criteria provided, single submitter. Criteria: Invitae Variant Classification Sherloc (09022015). Collection method: clinical testing. Allele origin: germline.
Comment: This sequence change creates a premature translational stop signal (p.Gln519*) in the DEPDC5 gene. It is expected to result in an absent or disrupted protein product. Loss-of-function variants in DEPDC5 are known to be pathogenic (PMID: 23542697, 23542701). This variant is not present in population databases (gnomAD no frequency). This premature translational stop signal has been observed in individual(s) with infantile spasms (PMID: 27066554). ClinVar contains an entry for this variant (Variation ID: 264732). For these reasons, this variant has been classified as Pathogenic.

Victorian Clinical Genetics Services, Murdoch Childrens Research Institute
Classification: Pathogenic for Epilepsy, familial focal, with variable foci 1. Last evaluated: 2022-02-02. Review status: criteria provided, single submitter. Criteria: ACMG Guidelines, 2015. Collection method: clinical testing. Allele origin: germline. Inheritance: Autosomal dominant inheritance.
Comment: Based on the classification scheme VCGS_Germline_v1.3.4, this variant is classified as Pathogenic. Following criteria are met: 0102 - Loss of function is a known mechanism of disease in this gene and is associated with familial focal epilepsy with variable foci 1 (MIM#604364). (I) 0107 - This gene is associated with autosomal dominant disease. Heterozygous variants are generally associated with mild phenotypes, however rare reports of biallelic variants and second hit mosaicism have been suggested to explain more severe presentations and the occurrence of cortical lesions (PMID: 32848577). (I) 0112 - The condition associated with this gene has incomplete penetrance. Unaffected individuals with pathogenic familial variants are commonly reported, with penetrance estimated to be between 66% and 70% (PMID: 30767899, PMID: 32848577). (I) 0115 - Variants in this gene are known to have variable expressivity. The phenotype associated with this variant was shown to vary considerably within the same family, from focal epilepsy in one individual, to infantile spasms progressing to focal and tonic-clonic seizures, myoclonus, global developmental delay, regression and moderate-severe intellectual disability in another family member (PMID: 27066554). (I) 0201 - Variant is predicted to cause nonsense-mediated decay (NMD) and loss of protein (premature termination codon is located at least 54 nucleotides upstream of the final exon-exon junction). (SP) 0251 - This variant is heterozygous. (I) 0301 - Variant is absent from gnomAD (both v2 and v3). (SP) 0701 - Other NMD-predicted variants comparable to the one identified in this case have very strong previous evidence for pathogenicity. Many other variants predicted to result in a loss of function have previously been reported as pathogenic in individuals with familial focal epilepsy with variable foci 1 (MIM#604364) (ClinVar, DECIPHER). (SP) 0801 - This variant has strong previous evidence of pathogenicity in unrelated individuals. The variant has previously been reported in at least five individuals with familial focal epilepsy with variable foci 1 (MIM#604364), in the literature and from clinical testing laboratories (ClinVar, PMID: 27066554). (SP) 0906 - Segregation evidence for this variant is inconclusive. The variant has previously been shown to segregate in a father and son with familial focal epilepsy with variable foci 1 (MIM#604364). There was a paternal family history of epilepsy, however additional relatives were not available for segregation testing (PMID: 27066554). (I) 1007 - No published functional evidence has been identified for this variant. (I) 1208 - Inheritance information for this variant is not currently available in this individual. (I) Legend: (SP) - Supporting pathogenic, (I) - Information, (SB) - Supporting benign

GeneDx
Classification: Pathogenic. Last evaluated: 2019-03-19. Review status: criteria provided, single submitter. Criteria: GeneDx Variant Classification Process June 2021. Collection method: clinical testing. Allele origin: germline. Affected: yes.
Comment: Nonsense variant predicted to result in protein truncation or nonsense mediated decay in a gene for which loss-of-function is a known mechanism of disease; Not observed in large population cohorts (Lek et al., 2016); This variant is associated with the following publications: (PMID: 27683934, 27066554, 30093711)

Ambry Genetics
Classification: Pathogenic for Inborn genetic diseases. Last evaluated: 2017-06-27. Review status: criteria provided, single submitter. Criteria: Ambry Variant Classification Scheme 2023. Collection method: clinical testing. Allele origin: germline.
Comment: The p.Q519* pathogenic mutation (also known as c.1555C>T), located in coding exon 20 of the DEPDC5 gene, results from a C to T substitution at nucleotide position 1555. This changes the amino acid from a glutamine to a stop codon within coding exon 20. In addition to the clinical data presented in the literature, this alteration is expected to result in loss of function by premature protein truncation or nonsense-mediated mRNA decay. As such, this alteration is interpreted as a disease-causing mutation.

Cytogénomique, Hospices Civils de Lyon
Classification: Pathogenic for Epilepsy, familial focal, with variable foci 1. Review status: criteria provided, single submitter. Criteria: ACMG Guidelines, 2015. Collection method: clinical testing. Allele origin: paternal. Inheritance: Autosomal dominant inheritance. Affected: yes.

GeneReviews
No classification provided. Condition: Epilepsy, familial focal, with variable foci 1. Review status: no classification provided. Collection method: literature only. Allele origin: germline. Affected: yes. Not counted in ClinVar's aggregate classification.

Literature cited by the submitters: PubMed 23542697 (cited by Labcorp Genetics (formerly Invitae), Labcorp); PubMed 23542701 (cited by Labcorp Genetics (formerly Invitae), Labcorp); PubMed 27066554 (cited by 4 submitters); PubMed 30767899 (cited by Victorian Clinical Genetics Services, Murdoch Childrens Research Institute); PubMed 32848577 (cited by Victorian Clinical Genetics Services, Murdoch Childrens Research Institute); NCBI Bookshelf NBK385626 (cited by GeneReviews).

NM_001242896.3(DEPDC5):c.1555C>T (p.Gln519Ter)

Gene: DEPDC5 (DEP domain containing 5, GATOR1 subcomplex subunit; plus strand). Cytogenetic location: 22q12.3.
Variant type: single nucleotide variant.
Coding change: c.1555C>T on transcript NM_001242896.3 (MANE Select); coding-DNA position 1555, C replaced by T.
Protein change: p.Gln519Ter; replaces glutamine 519 with a stop codon.
Molecular consequence: nonsense. On other transcripts: non-coding transcript variant (5).
Genome position (GRCh38, 1-based): chr22:31,815,101, C>T. VCF-style: chr22-31815101-C-T. GRCh37 (hg19) VCF-style: chr22-32211087-C-T.
Other names: c.1555C>T, p.Gln519Ter (NM_001007188.4, NM_001136029.4, NM_001242897.2 and 7 more transcripts); c.1471C>T, p.Gln491Ter (NM_001369901.1, NM_001369902.1); short protein forms Q519*, Q491*.
Identifiers: ClinVar variation 264732 (VCV000264732.20), dbSNP rs886039261, ClinGen allele CA10588042.